The following is an entry in ClinVar:

NM_000051.4(ATM):c.6666_6669dup (p.Met2224fs)

Genes: ATM (ATM serine/threonine kinase; plus strand), C11orf65 (chromosome 11 open reading frame 65; minus strand). Cytogenetic location: 11q22.3.
Variant type: Duplication.
Coding change: c.6666_6669dup on transcript NM_000051.4 (MANE Select); coding-DNA positions 6666 to 6669, 4 bases duplicated (TATC; older notation c.6666_6669dupTATC).
Protein change: p.Met2224fs; shifts the reading frame from methionine 2224.
Molecular consequence: frameshift variant. On other transcripts: intron variant (2).
Genome position (GRCh38, 1-based): chr11:108,325,403-108,325,406, TATC duplicated; duplicating any 4 consecutive bases within chr11:108,325,402-108,325,406 gives the same sequence; the c. name uses the placement nearest the transcript's 3' end. VCF-style (leftmost placement, unchanged base first): chr11-108325401-C-CCTAT. GRCh37 (hg19) VCF-style: chr11-108196128-C-CCTAT.
Other names: c.6666_6669dupTATC (NM_000051.3); c.6666_6669dup, p.Met2224fs (NM_001351834.2); c.641-16334_641-16331dup (NM_001330368.2); c.*38+9815_*38+9818dup (NM_001351110.2); short protein forms M2224fs.
Identifiers: ClinVar variation 1754753 (VCV001754753.5), dbSNP rs1416973473, ClinGen allele CA602132683.

ClinVar aggregate classification (germline): Pathogenic. Review status: criteria provided, multiple submitters, no conflicts (2 of 4 stars). 2 submissions from 2 submitters: Pathogenic (2). Last evaluated 2025-11-20.

Conditions:
Hereditary cancer-predisposing syndrome. Also called: Hereditary neoplastic syndrome; Neoplastic Syndromes, Hereditary; Tumor predisposition; Hereditary Cancer Syndrome. Identifiers: Orphanet 140162, MedGen C0027672, MeSH D009386, MONDO:0015356.
Ataxia-telangiectasia syndrome (AT). Also called: Ataxia telangiectasia (A-T); LOUIS-BAR SYNDROME; Cerebello-oculocutaneous telangiectasia; Immunodeficiency with ataxia telangiectasia; Ataxia-telangiectasia, complementation group D; AT, COMPLEMENTATION GROUP C. Identifiers: Orphanet 100, MedGen C0004135, MONDO:0008840, OMIM 208900.

Submissions (2):

Ambry Genetics
Classification: Pathogenic for Hereditary cancer-predisposing syndrome. Last evaluated: 2025-11-20. Review status: criteria provided, single submitter. Criteria: Ambry Variant Classification Scheme 2023. Collection method: clinical testing. Allele origin: germline.
Comment: The c.6666_6669dupTATC pathogenic mutation, located in coding exon 45 of the ATM gene, results from a duplication of TATC at nucleotide position 6666, causing a translational frameshift with a predicted alternate stop codon (p.M2224Yfs*26). This variant is considered to be rare based on population cohorts in the Genome Aggregation Database (gnomAD). This alteration is expected to result in loss of function by premature protein truncation or nonsense-mediated mRNA decay. As such, this alteration is interpreted as a disease-causing mutation.

Labcorp Genetics (formerly Invitae), Labcorp
Classification: Pathogenic for Ataxia-telangiectasia syndrome. Last evaluated: 2025-08-05. Review status: criteria provided, single submitter. Criteria: Invitae Variant Classification Sherloc (09022015). Collection method: clinical testing. Allele origin: germline.
Comment: This sequence change creates a premature translational stop signal (p.Met2224Tyrfs*26) in the ATM gene. It is expected to result in an absent or disrupted protein product. Loss-of-function variants in ATM are known to be pathogenic (PMID: 23807571, 25614872). This variant is present in population databases (no rsID available, gnomAD 0.01%). This variant has not been reported in the literature in individuals affected with ATM-related conditions. ClinVar contains an entry for this variant (Variation ID: 1754753). For these reasons, this variant has been classified as Pathogenic.

Literature cited by the submitters: PubMed 23807571 (cited by Labcorp Genetics (formerly Invitae), Labcorp); PubMed 25614872 (cited by Labcorp Genetics (formerly Invitae), Labcorp).